The following is an entry in ClinVar:

NM_130837.3(OPA1):c.681del (p.Leu228fs)

Genes: OPA1-AS1 (OPA1 antisense RNA 1; minus strand), OPA1 (OPA1 mitochondrial dynamin like GTPase; plus strand). Cytogenetic location: 3q29.
Variant type: Deletion.
Coding change: c.681del on transcript NM_130837.3 (MANE Select); coding-DNA position 681, one base deleted (T; older notation c.681delT).
Protein change: p.Leu228fs; shifts the reading frame from leucine 228.
Molecular consequence: frameshift variant. On other transcripts: intron variant (5).
Genome position (GRCh38, 1-based): chr3:193,626,094, T deleted. VCF-style (leftmost placement, unchanged base first): chr3-193626093-GT-G. GRCh37 (hg19) VCF-style: chr3-193343882-GT-G.
Other names: c.147del, p.Leu50fs (NM_001354663.2); c.519del, p.Leu174fs (NM_130833.3); c.573del, p.Leu192fs (NM_130835.3); c.627del, p.Leu210fs (NM_130836.3); c.253-5518del (NM_001354664.2); c.679-5518del (NM_130834.3); c.625-5518del (NM_015560.3); c.571-5518del (NM_130832.3); and 1 more; short protein forms L174fs, L192fs, L210fs, L228fs, L50fs.
Identifiers: ClinVar variation 4820577 (VCV004820577.1).
Genomic context (GRCh38, chr3:193,626,093, plus strand): 5'-TGGTTTAACATTATTCTCCTCCCCAATTTCCTCTTCTCCTCATTGTGAACTCGTGGCAGG[GT>G]CTGCTTGGTGAGCTCATTCTCTTACAACAACAAATTCAAGAGCATGAAGAGGAAGCGCGC-3'

ClinVar aggregate classification (germline): Pathogenic (1 of 4 stars; one submission).

Conditions:
Optic neuropathy. Also called: Optic nerve disorder. Identifiers: MedGen C3887709, MONDO:0002135, HP:0001138.

Submission:

North West Genomic Laboratory Hub, Manchester University NHS Foundation Trust
Classification: Pathogenic for Optic neuropathy. Last evaluated: 2026-03-26. Review status: criteria provided, single submitter. Criteria: ACGS Best Practice Guidelines for Variant Classification in Rare Disease 2024. Collection method: clinical testing. Allele origin: germline. Affected: yes.
Comment: PVS1_VStr PM2_Mod